The following is an entry in ClinVar:

NM_001005373.4(LRSAM1):c.1860C>T (p.His620=)

Gene: LRSAM1 (leucine rich repeat and sterile alpha motif containing 1; plus strand). Cytogenetic location: 9q33.3.
Variant type: single nucleotide variant.
Coding change: c.1860C>T on transcript NM_001005373.4 (MANE Select); coding-DNA position 1860, C replaced by T.
Protein change: p.His620=; no amino-acid change (histidine 620 retained).
Molecular consequence: synonymous variant. On other transcripts: non-coding transcript variant (2).
Genome position (GRCh38, 1-based): chr9:127,497,282, C>T. VCF-style: chr9-127497282-C-T. GRCh37 (hg19) VCF-style: chr9-130259561-C-T.
Other names: c.1860C>T (NM_138361.4); c.1860C>T, p.His620= (NM_001005374.4, NM_001384142.1, NM_138361.5); c.1779C>T, p.His593= (NM_001190723.3); c.1761C>T, p.His587= (NM_001384143.1); c.1071C>T, p.His357= (NM_001384144.1).
Identifiers: ClinVar variation 365032 (VCV000365032.45), dbSNP rs147734401, ClinGen allele CA5247164.

ClinVar aggregate classification (germline): Benign/Likely benign. Review status: criteria provided, multiple submitters, no conflicts (2 of 4 stars). 8 submissions from 8 submitters: Benign (1); Likely benign (4). 3 of the submissions do not count toward it. Last evaluated 2026-09-01.

Conditions:
LRSAM1-related disorder. Also called: LRSAM1-related condition.
Charcot-Marie-Tooth disease axonal type 2P. Also called: CHARCOT-MARIE-TOOTH NEUROPATHY, TYPE 2P; Charcot-Marie-Tooth Neuropathy Type 2G; CHARCOT-MARIE-TOOTH DISEASE, AXONAL, TYPE 2G; CMT 2G. Identifiers: Orphanet 300319, Orphanet 99941, MedGen C3280797, MONDO:0013753, OMIM 614436.
Inborn genetic diseases. Identifiers: MedGen C0950123, MeSH D030342.

Allele frequency attached by ClinVar (database versions not stated): 1000 Genomes Project 0.00020; 1000 Genomes Project 30x 0.00031; TOPMed 0.00037; gnomAD exomes 0.00047 and 0.00053; ExAC 0.00051; gnomAD 0.00052 and 0.00054; ESP Exome Variant Server 0.00069.
gnomAD v4.1: 824 of 1,613,158 alleles (0.051%); highest among the groups gnomAD compares: Non-Finnish European, 0.059%; 1 homozygote.

Submissions (8):

CeGaT Center for Human Genetics Tuebingen
Classification: Likely benign. Last evaluated: 2026-09-01. Review status: criteria provided, single submitter. Criteria: CeGaT Center For Human Genetics Tuebingen Variant Classification Criteria Version 2. Collection method: clinical testing. Allele origin: germline. Affected: yes. Observed: 3 variant alleles.
Comment: LRSAM1: BP4, BP7

Labcorp Genetics (formerly Invitae), Labcorp
Classification: Benign for Charcot-Marie-Tooth disease axonal type 2P. Last evaluated: 2026-01-25. Review status: criteria provided, single submitter. Criteria: Invitae Variant Classification Sherloc (09022015). Collection method: clinical testing. Allele origin: germline.

Blueprint Genetics
Classification: Likely benign. Last evaluated: 2024-03-05. Review status: criteria provided, single submitter. Criteria: ACMG Guidelines, 2015. Collection method: clinical testing. Allele origin: germline.

Ambry Genetics
Classification: Likely benign for Inborn genetic diseases. Last evaluated: 2019-07-11. Review status: criteria provided, single submitter. Criteria: Ambry Variant Classification Scheme 2023. Collection method: clinical testing. Allele origin: germline.

GeneDx
Classification: Likely benign. Last evaluated: 2017-06-22. Review status: criteria provided, single submitter. Criteria: GeneDx Variant Classification (06012015). Collection method: clinical testing. Allele origin: germline. Affected: yes.
Comment: This variant is considered likely benign or benign based on one or more of the following criteria: it is a conservative change, it occurs at a poorly conserved position in the protein, it is predicted to be benign by multiple in silico algorithms, and/or has population frequency not consistent with disease.

PreventionGenetics, part of Exact Sciences
Classification: Likely benign for LRSAM1-related condition. Last evaluated: 2019-11-15. Review status: no assertion criteria provided. Collection method: clinical testing. Allele origin: germline. Not counted in ClinVar's aggregate classification.
Comment: This variant is classified as likely benign based on ACMG/AMP sequence variant interpretation guidelines (Richards et al. 2015 PMID: 25741868, with internal and published modifications).

Clinical Genetics, Academic Medical Center
Classification: Likely benign. Review status: no assertion criteria provided. Collection method: clinical testing. Allele origin: germline. Affected: yes. Study: VKGL Data-share Consensus. Not counted in ClinVar's aggregate classification.

Genome Diagnostics Laboratory, University Medical Center Utrecht
Classification: Likely benign. Review status: no assertion criteria provided. Collection method: clinical testing. Allele origin: germline. Affected: yes. Study: VKGL Data-share Consensus. Not counted in ClinVar's aggregate classification.